The following is an entry in ClinVar:

NM_014935.5(PLEKHA6):c.3086C>T (p.Ala1029Val)

Gene: PLEKHA6 (pleckstrin homology domain containing A6; minus strand). Cytogenetic location: 1q32.1.
Variant type: single nucleotide variant.
Coding change: c.3086C>T on transcript NM_014935.5 (MANE Select); coding-DNA position 3086, C replaced by T.
Protein change: p.Ala1029Val; replaces alanine 1029 with valine.
Molecular consequence: missense variant.
Genome position (GRCh38, 1-based): chr1:204,223,531, G>A on the plus strand (C>T on the coding strand, the complement: PLEKHA6 is on the minus strand). VCF-style: chr1-204223531-G-A. GRCh37 (hg19) VCF-style: chr1-204192659-G-A.
Other names: short protein forms A1029V.
Identifiers: ClinVar variation 2639826 (VCV002639826.24), dbSNP rs145148095, ClinGen allele CA1345421.

ClinVar aggregate classification (germline): Likely benign (1 of 4 stars; one submission).

Allele frequency attached by ClinVar (database versions not stated): 1000 Genomes Project 0.00240; 1000 Genomes Project 30x 0.00312; gnomAD 0.00593; TOPMed 0.00644; ESP Exome Variant Server 0.00672; ExAC 0.00862.
gnomAD v4.1: 13,022 of 1,550,594 alleles (0.84%); highest among the groups gnomAD compares: Non-Finnish European, 0.91%; 98 homozygotes.

Submission:

CeGaT Center for Human Genetics Tuebingen
Classification: Likely benign. Last evaluated: 2022-12-01. Review status: criteria provided, single submitter. Criteria: CeGaT Center For Human Genetics Tuebingen Variant Classification Criteria Version 2. Collection method: clinical testing. Allele origin: germline. Affected: yes. Observed: 1 variant allele.
Comment: PLEKHA6: BS2